The following is an entry in ClinVar:

ClinVar aggregate classification (germline): Uncertain significance (1 of 4 stars; one submission).

Submission:

Labcorp Genetics (formerly Invitae), Labcorp
Classification: Uncertain significance. Last evaluated: 2022-07-05. Review status: criteria provided, single submitter. Criteria: Invitae Variant Classification Sherloc (09022015). Collection method: clinical testing. Allele origin: germline.
Comment: This sequence change replaces proline, which is neutral and non-polar, with leucine, which is neutral and non-polar, at codon 438 of the FLNB protein (p.Pro438Leu). This variant is not present in population databases (gnomAD no frequency). This variant has not been reported in the literature in individuals affected with FLNB-related conditions. ClinVar contains an entry for this variant (Variation ID: 1406442). Algorithms developed to predict the effect of missense changes on protein structure and function are either unavailable or do not agree on the potential impact of this missense change (SIFT: "Deleterious"; PolyPhen-2: "Probably Damaging"; Align-GVGD: "Class C0"). In summary, the available evidence is currently insufficient to determine the role of this variant in disease. Therefore, it has been classified as a Variant of Uncertain Significance.

NM_001457.4(FLNB):c.1313C>T (p.Pro438Leu)

Gene: FLNB (filamin B; plus strand). Cytogenetic location: 3p14.3.
Variant type: single nucleotide variant.
Coding change: c.1313C>T on transcript NM_001457.4 (MANE Select); coding-DNA position 1313, C replaced by T.
Protein change: p.Pro438Leu; replaces proline 438 with leucine.
Molecular consequence: missense variant.
Genome position (GRCh38, 1-based): chr3:58,098,876, C>T. VCF-style: chr3-58098876-C-T. GRCh37 (hg19) VCF-style: chr3-58084603-C-T.
Other names: c.1313C>T, p.Pro438Leu (NM_001164317.2, NM_001164318.2, NM_001164319.2); short protein forms P438L.
Identifiers: ClinVar variation 1406442 (VCV001406442.6), dbSNP rs2107062860, ClinGen allele CA353337091.